The following is an entry in ClinVar:

NM_183381.3(RNF13):c.709T>A (p.Tyr237Asn)

Gene: RNF13 (ring finger protein 13; plus strand). Cytogenetic location: 3q25.1.
Variant type: single nucleotide variant.
Coding change: c.709T>A on transcript NM_183381.3 (MANE Select); coding-DNA position 709, T replaced by A.
Protein change: p.Tyr237Asn; replaces tyrosine 237 with asparagine.
Molecular consequence: missense variant. On other transcripts: non-coding transcript variant (1).
Genome position (GRCh38, 1-based): chr3:149,960,064, T>A. VCF-style: chr3-149960064-T-A. GRCh37 (hg19) VCF-style: chr3-149677851-T-A.
Other names: c.709T>A, p.Tyr237Asn (NM_001378285.1, NM_001378286.1, NM_007282.4); c.352T>A, p.Tyr118Asn (NM_001378289.1, NM_001378290.1, NM_183383.2 and 2 more transcripts); c.316T>A, p.Tyr106Asn (NM_001378291.1); short protein forms Y106N, Y118N, Y237N.
Identifiers: ClinVar variation 3343805 (VCV003343805.1).

ClinVar aggregate classification (germline): Uncertain significance (1 of 4 stars; one submission).

Submission:

GeneDx
Classification: Uncertain significance. Last evaluated: 2023-05-25. Review status: criteria provided, single submitter. Criteria: GeneDx Variant Classification Process June 2021. Collection method: clinical testing. Allele origin: germline. Affected: yes.
Comment: Not observed at significant frequency in large population cohorts (gnomAD); In silico analysis supports that this missense variant has a deleterious effect on protein structure/function; Has not been previously published as pathogenic or benign to our knowledge